The following is an entry in ClinVar:

NM_000169.3(GLA):c.780G>A (p.Gly260=)

Genes: GLA (galactosidase alpha; minus strand), RPL36A-HNRNPH2 (RPL36A-HNRNPH2 readthrough; plus strand). Cytogenetic location: Xq22.1.
Variant type: single nucleotide variant.
Coding change: c.780G>A on transcript NM_000169.3 (MANE Select); coding-DNA position 780, G replaced by A.
Protein change: p.Gly260=; no amino-acid change (glycine 260 retained).
Molecular consequence: synonymous variant. On other transcripts: non-coding transcript variant (3), intron variant (2).
Genome position (GRCh38, 1-based): chrX:101,398,806, C>T on the plus strand (G>A on the coding strand, the complement: GLA is on the minus strand). VCF-style: chrX-101398806-C-T. GRCh37 (hg19) VCF-style: chrX-100653794-C-T.
Other names: c.903G>A, p.Gly301= (NM_001406747.1); c.780G>A, p.Gly260= (NM_001406748.1); c.300+3349C>T (NM_001199973.2); c.177+6984C>T (NM_001199974.2).
Identifiers: ClinVar variation 2860290 (VCV002860290.4), dbSNP rs2520869304, ClinGen allele CA517737044.

ClinVar aggregate classification (germline): Uncertain significance (1 of 4 stars; one submission).

Conditions:
Fabry disease. Also called: Fabry's disease; ALPHA-GALACTOSIDASE A DEFICIENCY; ANDERSON-FABRY DISEASE; CERAMIDE TRIHEXOSIDASE DEFICIENCY; GLA DEFICIENCY; HEREDITARY DYSTOPIC LIPIDOSIS. Identifiers: Orphanet 324, MedGen C0002986, MONDO:0010526, OMIM 301500, HP:0001071. Disease mechanism: Fabry disease is due to inactivating mutations in the X-linked GLA gene resulting in deficiency of the enzyme Alpha Galactosidase-A., loss of function.

Submissions (2):

Labcorp Genetics (formerly Invitae), Labcorp
Classification: Uncertain significance for Fabry disease. Last evaluated: 2023-05-17. Review status: criteria provided, single submitter. Criteria: Invitae Variant Classification Sherloc (09022015). Collection method: clinical testing. Allele origin: germline.
Comment: In summary, the available evidence is currently insufficient to determine the role of this variant in disease. Therefore, it has been classified as a Variant of Uncertain Significance. This sequence change affects codon 260 of the GLA mRNA. It is a 'silent' change, meaning that it does not change the encoded amino acid sequence of the GLA protein. This variant is not present in population databases (gnomAD no frequency). This variant has not been reported in the literature in individuals affected with GLA-related conditions. Algorithms developed to predict the effect of sequence changes on RNA splicing suggest that this variant may create or strengthen a splice site.

Dr. Peter K. Rogan Lab, Western University
No classification provided (evidence only). Condition: Thyroid cancer, nonmedullary, 1. Review status: no classification provided. Collection method: in vitro. Allele origin: not applicable. Functional consequence: retained intron. Not counted in ClinVar's aggregate classification.